The following is an entry in ClinVar:

ClinVar aggregate classification (germline): Pathogenic (1 of 4 stars; one submission).

Submission:

Labcorp Genetics (formerly Invitae), Labcorp
Classification: Pathogenic. Last evaluated: 2021-10-15. Review status: criteria provided, single submitter. Criteria: Invitae Variant Classification Sherloc (09022015). Collection method: clinical testing. Allele origin: germline.
Comment: For these reasons, this variant has been classified as Pathogenic. This variant has not been reported in the literature in individuals affected with PNPT1-related conditions. A gross deletion of the genomic region encompassing the full coding sequence of the PNPT1 gene has been identified. Loss-of-function variants in PNPT1 are known to be pathogenic (PMID: 28594066, 30244537). The boundaries of this event are unknown as they extend beyond the assayed region for this gene and therefore may encompass additional genes.

Literature cited by the submitters: PubMed 28594066; PubMed 30244537.

NC_000002.11:g.(?_55863372)_(56149575_?)del

Genes: EFEMP1 (EGF containing fibulin extracellular matrix protein 1; minus strand), PNPT1 (polyribonucleotide nucleotidyltransferase 1; minus strand). Cytogenetic location: 2p16.1.
Variant type: Deletion.
Identifiers: ClinVar variation 1460322 (VCV001460322.4).